The following is an entry in ClinVar:

NM_015338.6(ASXL1):c.2504C>T (p.Pro835Leu)

Gene: ASXL1 (ASXL transcriptional regulator 1; plus strand). Cytogenetic location: 20q11.21.
Variant type: single nucleotide variant.
Coding change: c.2504C>T on transcript NM_015338.6 (MANE Select); coding-DNA position 2504, C replaced by T.
Protein change: p.Pro835Leu; replaces proline 835 with leucine.
Molecular consequence: missense variant.
Genome position (GRCh38, 1-based): chr20:32,435,216, C>T. VCF-style: chr20-32435216-C-T. GRCh37 (hg19) VCF-style: chr20-31023019-C-T.
Other names: c.2321C>T, p.Pro774Leu (NM_001363734.1); short protein forms P774L, P835L.
Identifiers: ClinVar variation 3680783 (VCV003680783.2).

ClinVar aggregate classification (germline): Uncertain significance (1 of 4 stars; one submission).

gnomAD v4.1: 2 of 1,613,996 alleles (0.00012%); highest among the groups gnomAD compares: East Asian, 0.0022%; no homozygotes.

Submission:

Labcorp Genetics (formerly Invitae), Labcorp
Classification: Uncertain significance. Last evaluated: 2024-05-29. Review status: criteria provided, single submitter. Criteria: Invitae Variant Classification Sherloc (09022015). Collection method: clinical testing. Allele origin: germline.
Comment: This sequence change replaces proline, which is neutral and non-polar, with leucine, which is neutral and non-polar, at codon 835 of the ASXL1 protein (p.Pro835Leu). This variant is not present in population databases (gnomAD no frequency). This variant has not been reported in the literature in individuals affected with ASXL1-related conditions. Algorithms developed to predict the effect of missense changes on protein structure and function output the following: SIFT: "Not Available"; PolyPhen-2: "Benign"; Align-GVGD: "Not Available". The leucine amino acid residue is found in multiple mammalian species, which suggests that this missense change does not adversely affect protein function. In summary, the available evidence is currently insufficient to determine the role of this variant in disease. Therefore, it has been classified as a Variant of Uncertain Significance.